The following is an entry in ClinVar:

ClinVar aggregate classification (germline): Likely benign. Review status: criteria provided, single submitter (1 of 4 stars). 2 submissions from 2 submitters: Likely benign (1). 1 of the submissions does not count toward it. Last evaluated 2024-08-30.

Conditions:
SFTPA2-related disorder. Also called: SFTPA2-related condition.

Submissions (2):

Blueprint Genetics
Classification: Likely benign. Last evaluated: 2024-08-30. Review status: criteria provided, single submitter. Criteria: ACMG Guidelines, 2015. Collection method: clinical testing. Allele origin: germline.

PreventionGenetics, part of Exact Sciences
Classification: Likely benign for SFTPA2-related condition. Last evaluated: 2019-08-29. Review status: no assertion criteria provided. Collection method: clinical testing. Allele origin: germline. Not counted in ClinVar's aggregate classification.
Comment: This variant is classified as likely benign based on ACMG/AMP sequence variant interpretation guidelines (Richards et al. 2015 PMID: 25741868, with internal and published modifications).

NM_001098668.4(SFTPA2):c.213G>A (p.Gly71=)

Gene: SFTPA2 (surfactant protein A2; minus strand). Cytogenetic location: 10q22.3.
Variant type: single nucleotide variant.
Coding change: c.213G>A on transcript NM_001098668.4 (MANE Select); coding-DNA position 213, G replaced by A.
Protein change: p.Gly71=; no amino-acid change (glycine 71 retained).
Molecular consequence: synonymous variant.
Genome position (GRCh38, 1-based): chr10:79,558,965, C>T on the plus strand (G>A on the coding strand, the complement: SFTPA2 is on the minus strand). VCF-style: chr10-79558965-C-T. GRCh37 (hg19) VCF-style: chr10-81318721-C-T.
Other names: c.213G>A, p.Gly71= (NM_001320813.2); c.243G>A, p.Gly81= (NM_001320814.1).
Identifiers: ClinVar variation 3052671 (VCV003052671.3), dbSNP rs143780551, ClinGen allele CA5574152.